The following is an entry in ClinVar:

ClinVar aggregate classification (germline): Likely benign (1 of 4 stars; one submission).

Allele frequency attached by ClinVar (database versions not stated): gnomAD exomes 0.00050; ExAC 0.00058; ESP Exome Variant Server 0.00154; gnomAD 0.00223 and 0.00230; TOPMed 0.00234; 1000 Genomes Project 30x 0.00406; 1000 Genomes Project 0.00439.
gnomAD v4.1: 756 of 1,602,996 alleles (0.047%); highest among the groups gnomAD compares: African/African-American, 0.75%; 3 homozygotes.

Submission:

GeneDx
Classification: Likely benign. Last evaluated: 2017-05-31. Review status: criteria provided, single submitter. Criteria: GeneDx Variant Classification (06012015). Collection method: clinical testing. Allele origin: germline. Affected: yes.
Comment: This variant is considered likely benign or benign based on one or more of the following criteria: it is a conservative change, it occurs at a poorly conserved position in the protein, it is predicted to be benign by multiple in silico algorithms, and/or has population frequency not consistent with disease.

NM_014844.5(TECPR2):c.-28G>A

Gene: TECPR2 (tectonin beta-propeller repeat containing 2; plus strand). Cytogenetic location: 14q32.31.
Variant type: single nucleotide variant.
Coding change: c.-28G>A on transcript NM_014844.5 (MANE Select); 28 bases upstream of the start codon, G replaced by A.
Molecular consequence: 5 prime UTR variant.
Genome position (GRCh38, 1-based): chr14:102,376,694, G>A. VCF-style: chr14-102376694-G-A. GRCh37 (hg19) VCF-style: chr14-102843031-G-A.
Other names: c.-28G>A (NM_001172631.3).
Identifiers: ClinVar variation 509723 (VCV000509723.1), dbSNP rs184890979, ClinGen allele CA7357306.